The following is an entry in ClinVar:

ClinVar aggregate classification (germline): Pathogenic/Likely pathogenic. Review status: criteria provided, multiple submitters, no conflicts (2 of 4 stars). 5 submissions from 5 submitters: Pathogenic (1); Likely pathogenic (4). Last evaluated 2025-12-01.

Conditions:
Acne inversa, familial, 3 (ACNINV3). Identifiers: MedGen C3151038, MONDO:0013398, OMIM 613737.
Pick disease. Also called: Pick Disease of the Brain; LOBAR ATROPHY OF BRAIN; PICK DISEASE OF BRAIN; DEMENTIA WITH LOBAR ATROPHY AND NEURONAL CYTOPLASMIC INCLUSIONS; Pick's disease. Identifiers: Orphanet 282, MedGen C0236642, MONDO:0008243, OMIM 172700.
Alzheimer disease 3 (AD3). Also called: ALZHEIMER DISEASE, FAMILIAL, 3. Identifiers: Orphanet 1020, MedGen C1843013, MONDO:0011913, OMIM 607822.
Frontotemporal dementia (FTD1). Also called: MULTIPLE SYSTEM TAUOPATHY WITH PRESENILE DEMENTIA; Frontotemporal Dementia with Parkinsonism-17 (FTDP-17); WILHELMSEN-LYNCH DISEASE; FRONTOTEMPORAL LOBAR DEGENERATION WITH TAU INCLUSIONS; FTLD WITH TAU INCLUSIONS; FRONTOTEMPORAL DEMENTIA WITH PARKINSONISM. Identifiers: Orphanet 282, MedGen C0338451, MONDO:0017276, OMIM 600274, HP:0002145.
PSEN1-related disorder. Also called: PSEN1-related condition.

Allele frequency attached by ClinVar (database versions not stated): gnomAD exomes below 0.00001.

Submissions (5):

PreventionGenetics, part of Exact Sciences
Classification: Likely pathogenic for PSEN1-related condition. Last evaluated: 2025-12-01. Review status: criteria provided, single submitter. Criteria: ACMG Guidelines, 2015. Collection method: clinical testing. Allele origin: germline.
Comment: The PSEN1 c.745A>C variant is predicted to result in the amino acid substitution p.Ile249Leu. This variant has been reported in the heterozygous state in an individual with upper-limb onset amyotrophic lateral sclerosis (ALS, Couthouis et al. 2014. PubMed ID: 25299611). At PreventionGenetics, this variant was also reported in multiple members of a family affected with early onset Alzheimer disease. In vitro experimental studies indicated this variant does not affect endoproteolysis, but could result in elevated levels of Aβ42 peptides and Aβ42/Aβ40 in neuroblastoma cell lines (Shen et al. 2019. PubMed ID: 31235249; family 24, Jia et al. 2020. PubMed ID: 31914229). This variant is reported in 0.00088% of alleles in individuals of European (non-Finnish) descent in gnomAD and it has been reported in ClinVar as pathogenic/likely pathogenic by multiple outside laboratories (Variation ID: 995217). Given the evidence, this variant is interpreted as likely pathogenic.

Women's Health and Genetics/Laboratory Corporation of America, LabCorp
Classification: Likely pathogenic for Alzheimer disease 3. Last evaluated: 2025-07-08. Review status: criteria provided, single submitter. Criteria: LabCorp Variant Classification Summary - May 2015. Collection method: clinical testing. Allele origin: germline.
Comment: Variant summary: PSEN1 c.745A>C (p.Ile249Leu) results in a conservative amino acid change in the encoded protein sequence. Algorithms developed to predict the effect of missense changes on protein structure and function are either unavailable or do not agree on the potential impact of this missense change. The variant allele was found at a frequency of 4e-06 in 251452 control chromosomes. c.745A>C has been observed in individuals affected with Alzheimer Disease and Sporadic Amyotrophic Lateral Sclerosis (Shen_2019, Jia_2020, Couthouis_2014, internal data). These data indicate that the variant may be associated with disease. At least one publication reports experimental evidence evaluating an impact on protein function. The most pronounced variant effect results in increased Abeta42 levels and Abeta42/Abeta40 ratios in SH-SY5Y cells (Shen_2019). The following publications have been ascertained in the context of this evaluation (PMID: 25299611, 31914229, 31235249). ClinVar contains an entry for this variant (Variation ID: 995217). Based on the evidence outlined above, the variant was classified as likely pathogenic.

GeneDx
Classification: Likely pathogenic. Last evaluated: 2025-04-10. Review status: criteria provided, single submitter. Criteria: GeneDx Variant Classification Process June 2021. Collection method: clinical testing. Allele origin: germline. Affected: yes.
Comment: Reported previously in a patient with early onset Alzheimer disease; Reported previously in a patient with sporadic ALS who also harbored variants in other genes (PMID: 25299611); Published functional studies suggest a damaging effect and demonstrate an increase in Ab42 and Ab42/Ab40 ratio in cells expressing this variant (PMID: 31235249); Not observed at significant frequency in large population cohorts (gnomAD); In silico analysis indicates that this missense variant does not alter protein structure/function; This variant is associated with the following publications: (PMID: 25299611, 31914229, 31235249)

Labcorp Genetics (formerly Invitae), Labcorp
Classification: Pathogenic for Alzheimer disease 3; Pick disease; Acne inversa, familial, 3; Frontotemporal dementia. Last evaluated: 2024-04-09. Review status: criteria provided, single submitter. Criteria: Invitae Variant Classification Sherloc (09022015). Collection method: clinical testing. Allele origin: germline.
Comment: This sequence change replaces isoleucine, which is neutral and non-polar, with leucine, which is neutral and non-polar, at codon 249 of the PSEN1 protein (p.Ile249Leu). This variant is present in population databases (no rsID available, gnomAD 0.0009%). This missense change has been observed in individuals with clinical features of Alzheimer disease (PMID: 31235249; Invitae). ClinVar contains an entry for this variant (Variation ID: 995217). Advanced modeling of protein sequence and biophysical properties (such as structural, functional, and spatial information, amino acid conservation, physicochemical variation, residue mobility, and thermodynamic stability) performed at Invitae indicates that this missense variant is not expected to disrupt PSEN1 protein function with a negative predictive value of 80%. Experimental studies have shown that this missense change affects PSEN1 function (PMID: 31235249). For these reasons, this variant has been classified as Pathogenic.

Athena Diagnostics
Classification: Likely pathogenic. Last evaluated: 2020-03-24. Review status: criteria provided, single submitter. Criteria: Athena Diagnostics Criteria. Collection method: clinical testing. Allele origin: unknown.
Comment: The frequency of this variant in the general population is consistent with pathogenicity. Found in at least one patient with expected phenotype for this gene. Predicted to have a damaging effect on the protein. Assessment of experimental evidence suggests this variant results in abnormal protein function.

Literature cited by the submitters: PubMed 25299611 (cited by Women's Health and Genetics/Laboratory Corporation of America, LabCorp and Athena Diagnostics); PubMed 31914229 (cited by Women's Health and Genetics/Laboratory Corporation of America, LabCorp and Athena Diagnostics); PubMed 31235249 (cited by 3 submitters).

NM_000021.4(PSEN1):c.745A>C (p.Ile249Leu)

Gene: PSEN1 (presenilin 1; plus strand). Cytogenetic location: 14q24.2.
Variant type: single nucleotide variant.
Coding change: c.745A>C on transcript NM_000021.4 (MANE Select); coding-DNA position 745, A replaced by C.
Protein change: p.Ile249Leu; replaces isoleucine 249 with leucine.
Molecular consequence: missense variant.
Genome position (GRCh38, 1-based): chr14:73,192,840, A>C. VCF-style: chr14-73192840-A-C. GRCh37 (hg19) VCF-style: chr14-73659548-A-C.
Other names: c.733A>C, p.Ile245Leu (NM_007318.3); short protein forms I245L, I249L.
Identifiers: ClinVar variation 995217 (VCV000995217.16), dbSNP rs1362575880, ClinGen allele CA390299857.